The following is an entry in ClinVar:

ClinVar aggregate classification (germline): Pathogenic (1 of 4 stars; one submission).

Conditions:
Familial cancer of breast. Also called: Hereditary breast cancer; BREAST CANCER, FAMILIAL; hereditary breast carcinoma. Identifiers: Orphanet 227535, MedGen C0346153, MONDO:0016419, OMIM 114480. Disease mechanism: loss of function.

Submission:

Myriad Genetics, Inc.
Classification: Pathogenic for Familial cancer of breast. Last evaluated: 2024-10-08. Review status: criteria provided, single submitter. Criteria: Myriad Autosomal Dominant, Autosomal Recessive and X-Linked Classification Criteria (2023). Collection method: clinical testing. Allele origin: unknown.
Comment: This variant is considered pathogenic. This variant creates a frameshift predicted to result in premature protein truncation.

NM_000051.4(ATM):c.1994_1995dup (p.Val666fs)

Gene: ATM (ATM serine/threonine kinase; plus strand). Cytogenetic location: 11q22.3.
Variant type: Duplication.
Coding change: c.1994_1995dup on transcript NM_000051.4 (MANE Select); coding-DNA positions 1994 to 1995, 2 bases duplicated (TT; older notation c.1994_1995dupTT).
Protein change: p.Val666fs; shifts the reading frame from valine 666.
Molecular consequence: frameshift variant.
Genome position (GRCh38, 1-based): chr11:108,253,909-108,253,910, TT duplicated. VCF-style (leftmost placement, unchanged base first): chr11-108253908-A-ATT. GRCh37 (hg19) VCF-style: chr11-108124635-A-ATT.
Other names: c.1994_1995dup, p.Val666fs (NM_001351834.2); short protein forms V666fs.
Identifiers: ClinVar variation 3773501 (VCV003773501.1).